The following is an entry in ClinVar:

ClinVar aggregate classification (germline): Conflicting classifications of pathogenicity. Review status: criteria provided, conflicting classifications (1 of 4 stars). 2 submissions from 2 submitters: Uncertain significance (1); Likely benign (1). Last evaluated 2025-08-19.

Conditions:
Hereditary cancer-predisposing syndrome. Also called: Tumor predisposition; Hereditary Cancer Syndrome; Hereditary neoplastic syndrome; Neoplastic Syndromes, Hereditary. Identifiers: Orphanet 140162, MedGen C0027672, MeSH D009386, MONDO:0015356.
Familial adenomatous polyposis 2. Also called: COLORECTAL ADENOMATOUS POLYPOSIS, AUTOSOMAL RECESSIVE; MUTYH Polyposis; MUTYH-associated polyposis; MUTYH-related attenuated familial adenomatous polyposis; Adenomas, multiple colorectal; ADENOMAS, MULTIPLE COLORECTAL, AUTOSOMAL RECESSIVE. Identifiers: Orphanet 220460, Orphanet 247798, MedGen C3272841, MONDO:0012041, OMIM 608456.

Submissions (2):

Ambry Genetics
Classification: Likely benign for Hereditary cancer-predisposing syndrome. Last evaluated: 2025-08-19. Review status: criteria provided, single submitter. Criteria: Ambry Variant Classification Scheme 2023. Collection method: clinical testing. Allele origin: germline.

Labcorp Genetics (formerly Invitae), Labcorp
Classification: Uncertain significance for Familial adenomatous polyposis 2. Last evaluated: 2025-03-31. Review status: criteria provided, single submitter. Criteria: Invitae Variant Classification Sherloc (09022015). Collection method: clinical testing. Allele origin: germline.
Comment: This sequence change replaces arginine, which is basic and polar, with lysine, which is basic and polar, at codon 368 of the MUTYH protein (p.Arg368Lys). This variant is not present in population databases (gnomAD no frequency). This variant has not been reported in the literature in individuals affected with MUTYH-related conditions. ClinVar contains an entry for this variant (Variation ID: 406855). An algorithm developed to predict the effect of missense changes on protein structure and function (PolyPhen-2) suggests that this variant is likely to be disruptive. In summary, the available evidence is currently insufficient to determine the role of this variant in disease. Therefore, it has been classified as a Variant of Uncertain Significance.

Literature cited by the submitters: PubMed 40738107 (cited by Ambry Genetics).

NM_001048174.2(MUTYH):c.1019G>A (p.Arg340Lys)

Gene: MUTYH (mutY DNA glycosylase; minus strand). Cytogenetic location: 1p34.1.
Variant type: single nucleotide variant.
Coding change: c.1019G>A on transcript NM_001048174.2 (MANE Select); coding-DNA position 1019, G replaced by A.
Protein change: p.Arg340Lys; replaces arginine 340 with lysine.
Molecular consequence: missense variant. On other transcripts: non-coding transcript variant (2).
Genome position (GRCh38, 1-based): chr1:45,331,744, C>T on the plus strand (G>A on the coding strand, the complement: MUTYH is on the minus strand). VCF-style: chr1-45331744-C-T. GRCh37 (hg19) VCF-style: chr1-45797416-C-T.
Other names: c.1019G>A, p.Arg340Lys (NM_001048171.2, NM_001048173.2, NM_001293195.2); c.1022G>A, p.Arg341Lys (NM_001048172.2); c.1103G>A, p.Arg368Lys (NM_001128425.2); c.1064G>A, p.Arg355Lys (NM_001293190.2); c.1052G>A, p.Arg351Lys (NM_001293191.2); c.743G>A, p.Arg248Lys (NM_001293192.2, NM_001293196.2); c.674G>A, p.Arg225Lys (NM_001350650.2, NM_001350651.2); c.1094G>A, p.Arg365Lys (NM_012222.3); short protein forms R368K, R248K, R341K, R225K, R340K, R365K, R351K, R355K.
Identifiers: ClinVar variation 406855 (VCV000406855.12), dbSNP rs1060501340, ClinGen allele CA16610176.